The following is an entry in ClinVar:

ClinVar aggregate classification (germline): Uncertain significance. Review status: criteria provided, multiple submitters, no conflicts (2 of 4 stars). 2 submissions from 2 submitters: Uncertain significance (2). Last evaluated 2026-05-21.

Conditions:
Hereditary cancer-predisposing syndrome. Also called: Tumor predisposition; Hereditary neoplastic syndrome; Neoplastic Syndromes, Hereditary; Hereditary Cancer Syndrome. Identifiers: Orphanet 140162, MedGen C0027672, MeSH D009386, MONDO:0015356.

Allele frequency attached by ClinVar (database versions not stated): gnomAD exomes below 0.00001.
gnomAD v4.1: 1 of 1,614,092 alleles (0.000062%); highest among the groups gnomAD compares: Non-Finnish European, 0.000085%; no homozygotes.

Submissions (2):

Ambry Genetics
Classification: Uncertain significance for Hereditary cancer-predisposing syndrome. Last evaluated: 2026-05-21. Review status: criteria provided, single submitter. Criteria: Ambry Variant Classification Scheme 2023. Collection method: clinical testing. Allele origin: germline.
Comment: The p.D364E variant (also known as c.1092C>G), located in coding exon 9 of the APC gene, results from a C to G substitution at nucleotide position 1092. The aspartic acid at codon 364 is replaced by glutamic acid, an amino acid with highly similar properties. This amino acid position is conserved. In addition, in silico predictors for this gene do not accurately predict pathogenicity. Based on the available evidence, the clinical significance of this variant remains unclear.

Color Diagnostics, LLC DBA Color Health
Classification: Uncertain significance for Hereditary cancer-predisposing syndrome. Last evaluated: 2023-12-05. Review status: criteria provided, single submitter. Criteria: ACMG Guidelines, 2015. Collection method: clinical testing. Allele origin: germline.
Comment: This missense variant replaces aspartic acid with glutamic acid at codon 364 of the APC protein. Computational prediction suggests that this variant may not impact protein structure and function (internally defined REVEL score threshold <= 0.5, PMID: 27666373). To our knowledge, functional studies have not been reported for this variant. This variant has not been reported in individuals affected with APC-related disorders in the literature. This variant has been identified in 1/250978 chromosomes in the general population by the Genome Aggregation Database (gnomAD). The available evidence is insufficient to determine the role of this variant in disease conclusively. Therefore, this variant is classified as a Variant of Uncertain Significance.

NM_000038.6(APC):c.1092C>G (p.Asp364Glu)

Gene: APC (APC regulator of Wnt signaling pathway; plus strand). Cytogenetic location: 5q22.2.
Variant type: single nucleotide variant.
Coding change: c.1092C>G on transcript NM_000038.6 (MANE Select); coding-DNA position 1092, C replaced by G.
Protein change: p.Asp364Glu; replaces aspartic acid 364 with glutamic acid.
Molecular consequence: missense variant. On other transcripts: intron variant (4).
Genome position (GRCh38, 1-based): chr5:112,819,124, C>G. VCF-style: chr5-112819124-C-G. GRCh37 (hg19) VCF-style: chr5-112154821-C-G.
Other names: c.1092C>G, p.Asp364Glu (NM_001127510.3, NM_001354895.2, NM_001354896.2); c.1038C>G, p.Asp346Glu (NM_001127511.3); c.1122C>G, p.Asp374Glu (NM_001354897.2); c.1017C>G, p.Asp339Glu (NM_001354898.2); c.1008C>G, p.Asp336Glu (NM_001354899.2); c.915C>G, p.Asp305Glu (NM_001354900.2, NM_001354901.2); c.243C>G, p.Asp81Glu (NM_001354906.2); c.964-145C>G (NM_001354902.2); and 3 more; short protein forms D346E, D364E, D336E, D81E, D339E, D305E, D374E.
Identifiers: ClinVar variation 489408 (VCV000489408.7), dbSNP rs1199369536, ClinGen allele CA16023704.